The following is an entry in ClinVar:

NM_002591.4(PCK1):c.1448G>A (p.Arg483Gln)

Gene: PCK1 (phosphoenolpyruvate carboxykinase 1; plus strand). Cytogenetic location: 20q13.31.
Variant type: single nucleotide variant.
Coding change: c.1448G>A on transcript NM_002591.4 (MANE Select); coding-DNA position 1448, G replaced by A.
Protein change: p.Arg483Gln; replaces arginine 483 with glutamine.
Molecular consequence: missense variant.
Genome position (GRCh38, 1-based): chr20:57,565,383, G>A. VCF-style: chr20-57565383-G-A. GRCh37 (hg19) VCF-style: chr20-56140439-G-A.
Other names: short protein forms R483Q.
Identifiers: ClinVar variation 779639 (VCV000779639.37), dbSNP rs41302559, ClinGen allele CA9922403.

ClinVar aggregate classification (germline): Conflicting classifications of pathogenicity. Review status: criteria provided, conflicting classifications (1 of 4 stars). 4 submissions from 4 submitters: Uncertain significance (1); Likely benign (2). 1 of the submissions does not count toward it. Last evaluated 2025-12-24.

Conditions:
Phosphoenolpyruvate carboxykinase deficiency, cytosolic (PCKDC). Also called: PCK1 DEFICIENCY, CYTOSOLIC; PEPCK DEFICIENCY, CYTOSOLIC. Identifiers: Orphanet 2880, MedGen C5574905, MONDO:0009866, OMIM 261680.
PCK1-related disorder. Also called: PCK1-related condition.

Allele frequency attached by ClinVar (database versions not stated): 1000 Genomes Project 0.00120; 1000 Genomes Project 30x 0.00125; ESP Exome Variant Server 0.00161; gnomAD exomes 0.00171; ExAC 0.00173; gnomAD 0.00193 and 0.00218; TOPMed 0.00225.
gnomAD v4.1: 3,423 of 1,614,150 alleles (0.21%); highest among the groups gnomAD compares: Non-Finnish European, 0.25%; 1 homozygote.

Submissions (13):

Labcorp Genetics (formerly Invitae), Labcorp
Classification: Likely benign. Last evaluated: 2025-12-24. Review status: criteria provided, single submitter. Criteria: Invitae Variant Classification Sherloc (09022015). Collection method: clinical testing. Allele origin: germline.

CeGaT Center for Human Genetics Tuebingen
Classification: Likely benign. Last evaluated: 2025-12-01. Review status: criteria provided, single submitter. Criteria: CeGaT Center For Human Genetics Tuebingen Variant Classification Criteria Version 2. Collection method: clinical testing. Allele origin: germline. Affected: yes. Observed: 2 variant alleles.
Comment: PCK1: BS2

Illumina Laboratory Services, Illumina
Classification: Uncertain significance for Phosphoenolpyruvate carboxykinase deficiency, cytosolic. Last evaluated: 2018-01-13. Review status: criteria provided, single submitter. Criteria: ICSL Variant Classification Criteria 13 December 2019. Collection method: clinical testing. Allele origin: germline.

PreventionGenetics, part of Exact Sciences
Classification: Likely benign for PCK1-related condition. Last evaluated: 2022-10-31. Review status: no assertion criteria provided. Collection method: clinical testing. Allele origin: germline. Not counted in ClinVar's aggregate classification.
Comment: This variant is classified as likely benign based on ACMG/AMP sequence variant interpretation guidelines (Richards et al. 2015 PMID: 25741868, with internal and published modifications).

Dr. Peter K. Rogan Lab, Western University
No classification provided (evidence only). Condition: Clear cell carcinoma of kidney. Review status: no classification provided. Collection method: in vitro. Allele origin: not applicable. Functional consequence: retained intron. Not counted in ClinVar's aggregate classification.

Dr. Peter K. Rogan Lab, Western University
No classification provided (evidence only). Condition: Clear cell carcinoma of kidney. Review status: no classification provided. Collection method: in vitro. Allele origin: not applicable. Functional consequence: retained intron. Not counted in ClinVar's aggregate classification.

Dr. Peter K. Rogan Lab, Western University
No classification provided (evidence only). Condition: Clear cell carcinoma of kidney. Review status: no classification provided. Collection method: in vitro. Allele origin: not applicable. Functional consequence: retained intron. Not counted in ClinVar's aggregate classification.

Dr. Peter K. Rogan Lab, Western University
No classification provided (evidence only). Condition: Colon adenocarcinoma. Review status: no classification provided. Collection method: in vitro. Allele origin: not applicable. Functional consequence: retained intron. Not counted in ClinVar's aggregate classification.

Dr. Peter K. Rogan Lab, Western University
No classification provided (evidence only). Condition: Hepatocellular carcinoma. Review status: no classification provided. Collection method: in vitro. Allele origin: not applicable. Functional consequence: retained intron. Not counted in ClinVar's aggregate classification.

Dr. Peter K. Rogan Lab, Western University
No classification provided (evidence only). Condition: Hepatocellular carcinoma. Review status: no classification provided. Collection method: in vitro. Allele origin: not applicable. Functional consequence: retained intron. Not counted in ClinVar's aggregate classification.

Dr. Peter K. Rogan Lab, Western University
No classification provided (evidence only). Condition: Ovarian serous cystadenocarcinoma. Review status: no classification provided. Collection method: in vitro. Allele origin: not applicable. Functional consequence: retained intron. Not counted in ClinVar's aggregate classification.

Dr. Peter K. Rogan Lab, Western University
No classification provided (evidence only). Condition: Ovarian serous cystadenocarcinoma. Review status: no classification provided. Collection method: in vitro. Allele origin: not applicable. Functional consequence: retained intron. Not counted in ClinVar's aggregate classification.

Dr. Peter K. Rogan Lab, Western University
No classification provided (evidence only). Condition: Ovarian serous cystadenocarcinoma. Review status: no classification provided. Collection method: in vitro. Allele origin: not applicable. Functional consequence: retained intron. Not counted in ClinVar's aggregate classification.